The following is an entry in ClinVar:

NM_014324.6(AMACR):c.913C>T (p.His305Tyr)

Genes: C1QTNF3-AMACR (C1QTNF3-AMACR readthrough (NMD candidate); minus strand), AMACR (alpha-methylacyl-CoA racemase; minus strand). Cytogenetic location: 5p13.2.
Variant type: single nucleotide variant.
Coding change: c.913C>T on transcript NM_014324.6 (MANE Select); coding-DNA position 913, C replaced by T.
Protein change: p.His305Tyr; replaces histidine 305 with tyrosine.
Molecular consequence: missense variant. On other transcripts: non-coding transcript variant (1), 3 prime UTR variant (1).
Genome position (GRCh38, 1-based): chr5:33,989,329, G>A on the plus strand (C>T on the coding strand, the complement: AMACR is on the minus strand). VCF-style: chr5-33989329-G-A. GRCh37 (hg19) VCF-style: chr5-33989434-G-A.
Other names: c.913C>T, p.His305Tyr (NM_001167595.2); c.*155C>T (NM_203382.3); short protein forms H305Y.
Identifiers: ClinVar variation 2160377 (VCV002160377.2), dbSNP rs772946350, ClinGen allele CA3226000.

ClinVar aggregate classification (germline): Uncertain significance (1 of 4 stars; one submission).

Conditions:
Alpha-methylacyl-CoA racemase deficiency (AMACRD). Also called: AMACR deficiency. Identifiers: Orphanet 79095, MedGen C3280428, MONDO:0013681, OMIM 614307. Disease mechanism: loss of function.

Allele frequency attached by ClinVar (database versions not stated): gnomAD exomes below 0.00001; TOPMed below 0.00001; ExAC 0.00001; gnomAD 0.00001.
gnomAD v4.1: 6 of 1,614,012 alleles (0.00037%); highest among the groups gnomAD compares: Admixed American, 0.005%; no homozygotes.

Submission:

Labcorp Genetics (formerly Invitae), Labcorp
Classification: Uncertain significance for Alpha-methylacyl-CoA racemase deficiency. Last evaluated: 2026-01-06. Review status: criteria provided, single submitter. Criteria: Invitae Variant Classification Sherloc (09022015). Collection method: clinical testing. Allele origin: germline.
Comment: This sequence change replaces histidine, which is basic and polar, with tyrosine, which is neutral and polar, at codon 305 of the AMACR protein (p.His305Tyr). This variant is present in population databases (rs772946350, gnomAD no frequency). This variant has not been reported in the literature in individuals affected with AMACR-related conditions. ClinVar contains an entry for this variant (Variation ID: 2160377). Invitae Evidence Modeling of protein sequence and biophysical properties (such as structural, functional, and spatial information, amino acid conservation, physicochemical variation, residue mobility, and thermodynamic stability) indicates that this missense variant is not expected to disrupt AMACR protein function with a negative predictive value of 80%. In summary, the available evidence is currently insufficient to determine the role of this variant in disease. Therefore, it has been classified as a Variant of Uncertain Significance.